The following is an entry in ClinVar:

NM_004544.4(NDUFA10):c.*2110C>T

Gene: NDUFA10 (NADH:ubiquinone oxidoreductase subunit A10; minus strand). Cytogenetic location: 2q37.3.
Variant type: single nucleotide variant.
Coding change: c.*2110C>T on transcript NM_004544.4 (MANE Select); 2110 bases downstream of the stop codon, C replaced by T.
Molecular consequence: 3 prime UTR variant. On other transcripts: non-coding transcript variant (3).
Genome position (GRCh38, 1-based): chr2:239,959,008, G>A on the plus strand (C>T on the coding strand, the complement: NDUFA10 is on the minus strand). VCF-style: chr2-239959008-G-A. GRCh37 (hg19) VCF-style: chr2-240898425-G-A.
Other names: c.*2115C>T (NM_001322020.2).
Identifiers: ClinVar variation 3026392 (VCV003026392.22), dbSNP rs926291220, ClinGen allele CA68047703.

ClinVar aggregate classification (germline): Likely benign (1 of 4 stars; one submission).

Allele frequency attached by ClinVar (database versions not stated): gnomAD exomes below 0.00001; gnomAD 0.00001; TOPMed 0.00001.
gnomAD v4.1: 7 of 985,412 alleles (0.00071%); highest among the groups gnomAD compares: East Asian, 0.011%; no homozygotes.

Submission:

CeGaT Center for Human Genetics Tuebingen
Classification: Likely benign. Last evaluated: 2024-01-01. Review status: criteria provided, single submitter. Criteria: CeGaT Center For Human Genetics Tuebingen Variant Classification Criteria Version 2. Collection method: clinical testing. Allele origin: germline. Affected: yes. Observed: 1 variant allele.
Comment: NDUFA10: BP4, BP7